The following is an entry in ClinVar:

NM_178170.3(NEK8):c.1523T>A (p.Met508Lys)

Gene: NEK8 (NIMA related kinase 8; plus strand). Cytogenetic location: 17q11.2.
Variant type: single nucleotide variant.
Coding change: c.1523T>A on transcript NM_178170.3 (MANE Select); coding-DNA position 1523, T replaced by A.
Protein change: p.Met508Lys; replaces methionine 508 with lysine.
Molecular consequence: missense variant.
Genome position (GRCh38, 1-based): chr17:28,740,568, T>A. VCF-style: chr17-28740568-T-A. GRCh37 (hg19) VCF-style: chr17-27067586-T-A.
Other names: short protein forms M508K.
Identifiers: ClinVar variation 1002646 (VCV001002646.5), dbSNP rs753200646, ClinGen allele CA8467460.

ClinVar aggregate classification (germline): Uncertain significance (1 of 4 stars; one submission).

Conditions:
Nephronophthisis 9 (NPHP9). Identifiers: Orphanet 655, MedGen C3151188, MONDO:0013444, OMIM 613824.

Allele frequency attached by ClinVar (database versions not stated): ExAC 0.00001; gnomAD 0.00001; TOPMed 0.00001; gnomAD exomes 0.00002.
gnomAD v4.1: 6 of 1,614,070 alleles (0.00037%); highest among the groups gnomAD compares: Admixed American, 0.0083%; no homozygotes.

Submission:

Labcorp Genetics (formerly Invitae), Labcorp
Classification: Uncertain significance for Nephronophthisis 9. Last evaluated: 2022-07-19. Review status: criteria provided, single submitter. Criteria: Invitae Variant Classification Sherloc (09022015). Collection method: clinical testing. Allele origin: germline.
Comment: In summary, the available evidence is currently insufficient to determine the role of this variant in disease. Therefore, it has been classified as a Variant of Uncertain Significance. Algorithms developed to predict the effect of sequence changes on RNA splicing suggest that this variant may create or strengthen a splice site. Algorithms developed to predict the effect of missense changes on protein structure and function (SIFT, PolyPhen-2, Align-GVGD) all suggest that this variant is likely to be disruptive. ClinVar contains an entry for this variant (Variation ID: 1002646). This missense change has been observed in individual(s) with clinical features of NEK8-related conditions (Invitae). This variant is present in population databases (rs753200646, gnomAD 0.02%). This sequence change replaces methionine, which is neutral and non-polar, with lysine, which is basic and polar, at codon 508 of the NEK8 protein (p.Met508Lys).